The following is an entry in ClinVar:

ClinVar aggregate classification (germline): Likely benign (1 of 4 stars; one submission).

Submission:

CeGaT Center for Human Genetics Tuebingen
Classification: Likely benign. Last evaluated: 2026-08-01. Review status: criteria provided, single submitter. Criteria: CeGaT Center For Human Genetics Tuebingen Variant Classification Criteria Version 2. Collection method: clinical testing. Allele origin: germline. Affected: yes. Observed: 1 variant allele.
Comment: PRKDC: PM2:Supporting, BP4, BP7

NM_006904.7(PRKDC):c.7335G>A (p.Lys2445=)

Gene: PRKDC (protein kinase, DNA-activated, catalytic subunit; minus strand). Cytogenetic location: 8q11.21.
Variant type: single nucleotide variant.
Coding change: c.7335G>A on transcript NM_006904.7 (MANE Select); coding-DNA position 7335, G replaced by A.
Protein change: p.Lys2445=; no amino-acid change (lysine 2445 retained).
Molecular consequence: synonymous variant.
Genome position (GRCh38, 1-based): chr8:47,840,135, C>T on the plus strand (G>A on the coding strand, the complement: PRKDC is on the minus strand). VCF-style: chr8-47840135-C-T. GRCh37 (hg19) VCF-style: chr8-48752696-C-T.
Other names: c.7335G>A, p.Lys2445= (NM_001081640.2).
Identifiers: ClinVar variation 5040745 (VCV005040745.1).